The following is an entry in ClinVar:

ClinVar aggregate classification (germline): Uncertain significance (1 of 4 stars; one submission).

Conditions:
Malignant hyperthermia, susceptibility to, 1 (MHS1). Also called: Anesthesia related hyperthermia; Malignant hyperpyrexia; Fulminating hyperpyrexia; Pharmacogenic myopathy; RYR1-Related Malignant Hyperthermia Susceptibility; Malignant hyperthermia suceptibility 1. Identifiers: Orphanet 423, MedGen C2930980, MONDO:0007783, OMIM 145600.

Submission:

All of Us Research Program, National Institutes of Health
Classification: Uncertain significance for Malignant hyperthermia, susceptibility to, 1. Last evaluated: 2023-06-26. Review status: criteria provided, single submitter. Criteria: ACMG Guidelines, 2015. Collection method: clinical testing. Allele origin: germline. Inheritance: Autosomal dominant inheritance. Observed: 1 variant allele, 1 heterozygote.
Comment: This missense variant replaces histidine with leucine at codon 992 of the RYR1 protein. Computational prediction suggests that this variant may have deleterious impact on protein structure and function (internally defined REVEL score threshold >= 0.7, PMID: 27666373). To our knowledge, functional studies have not been reported for this variant. This variant has not been reported in individuals affected with RYR1-related disorders in the literature. This variant has not been identified in the general population by the Genome Aggregation Database (gnomAD). The available evidence is insufficient to determine the role of this variant in disease conclusively. Therefore, this variant is classified as a Variant of Uncertain Significance.

This study involves interpretation of variants in research participants for the purpose of population health screening. Participant phenotype was not available at the time of variant classification. Additional details can be found in publication PMID: 35346344, PMCID: PMC8962531

NM_000540.3(RYR1):c.2975A>T (p.His992Leu)

Gene: RYR1 (ryanodine receptor 1; plus strand). Cytogenetic location: 19q13.2.
Variant type: single nucleotide variant.
Coding change: c.2975A>T on transcript NM_000540.3 (MANE Select); coding-DNA position 2975, A replaced by T.
Protein change: p.His992Leu; replaces histidine 992 with leucine.
Molecular consequence: missense variant.
Genome position (GRCh38, 1-based): chr19:38,466,195, A>T. VCF-style: chr19-38466195-A-T. GRCh37 (hg19) VCF-style: chr19-38956835-A-T.
Other names: c.2975A>T, p.His992Leu (NM_001042723.2); short protein forms H992L.
Identifiers: ClinVar variation 3071861 (VCV003071861.1), dbSNP rs2514093499, ClinGen allele CA405634833.
Genomic context (GRCh38, chr19:38,466,195, plus strand): 5'-GCCACGTGCGGCTGACGCCGGCGCAGACGACACTGGTGGACCGTCTGGCAGAAAATGGGC[A>T]CAACGTGTGGGCCCGAGACCGCGTGGGCCAGGGCTGGAGCTACAGCGCAGTGCAGGACAT-3'
Protein context (NP_000531.2, residues 982-1002): TLVDRLAENG[His992Leu]NVWARDRVGQ